The following is an entry in ClinVar:

NM_000051.4(ATM):c.7284G>T (p.Arg2428Ser)

Genes: ATM (ATM serine/threonine kinase; plus strand), C11orf65 (chromosome 11 open reading frame 65; minus strand). Cytogenetic location: 11q22.3.
Variant type: single nucleotide variant.
Coding change: c.7284G>T on transcript NM_000051.4 (MANE Select); coding-DNA position 7284, G replaced by T.
Protein change: p.Arg2428Ser; replaces arginine 2428 with serine.
Molecular consequence: missense variant. On other transcripts: intron variant (2).
Genome position (GRCh38, 1-based): chr11:108,329,215, G>T. VCF-style: chr11-108329215-G-T. GRCh37 (hg19) VCF-style: chr11-108199942-G-T.
Other names: c.7284G>T, p.Arg2428Ser (NM_001351834.2); c.641-20144C>A (NM_001330368.2); c.*38+6005C>A (NM_001351110.2); short protein forms R2428S.
Identifiers: ClinVar variation 1758079 (VCV001758079.4), dbSNP rs1591152279, ClinGen allele CA382559793.

ClinVar aggregate classification (germline): Uncertain significance. Review status: criteria provided, multiple submitters, no conflicts (2 of 4 stars). 2 submissions from 2 submitters: Uncertain significance (2). Last evaluated 2024-03-10.

Conditions:
Ataxia-telangiectasia syndrome (AT). Also called: Ataxia telangiectasia (A-T); LOUIS-BAR SYNDROME; Cerebello-oculocutaneous telangiectasia; Immunodeficiency with ataxia telangiectasia; Ataxia-telangiectasia, complementation group D; AT, COMPLEMENTATION GROUP C. Identifiers: Orphanet 100, MedGen C0004135, MONDO:0008840, OMIM 208900.
Hereditary cancer-predisposing syndrome. Also called: Hereditary neoplastic syndrome; Neoplastic Syndromes, Hereditary; Tumor predisposition; Hereditary Cancer Syndrome. Identifiers: Orphanet 140162, MedGen C0027672, MeSH D009386, MONDO:0015356.

Submissions (2):

Labcorp Genetics (formerly Invitae), Labcorp
Classification: Uncertain significance for Ataxia-telangiectasia syndrome. Last evaluated: 2024-03-10. Review status: criteria provided, single submitter. Criteria: Invitae Variant Classification Sherloc (09022015). Collection method: clinical testing. Allele origin: germline.
Comment: This sequence change replaces arginine, which is basic and polar, with serine, which is neutral and polar, at codon 2428 of the ATM protein (p.Arg2428Ser). This variant is not present in population databases (gnomAD no frequency). This variant has not been reported in the literature in individuals affected with ATM-related conditions. ClinVar contains an entry for this variant (Variation ID: 1758079). An algorithm developed to predict the effect of missense changes on protein structure and function (PolyPhen-2) suggests that this variant is likely to be tolerated. In summary, the available evidence is currently insufficient to determine the role of this variant in disease. Therefore, it has been classified as a Variant of Uncertain Significance.

Ambry Genetics
Classification: Uncertain significance for Hereditary cancer-predisposing syndrome. Last evaluated: 2022-05-22. Review status: criteria provided, single submitter. Criteria: Ambry Variant Classification Scheme 2023. Collection method: clinical testing. Allele origin: germline.
Comment: The p.R2428S variant (also known as c.7284G>T), located in coding exon 48 of the ATM gene, results from a G to T substitution at nucleotide position 7284. The arginine at codon 2428 is replaced by serine, an amino acid with dissimilar properties. This amino acid position is conserved. In addition, the in silico prediction for this alteration is inconclusive. Since supporting evidence is limited at this time, the clinical significance of this alteration remains unclear.